The following is an entry in ClinVar:

NM_004064.5(CDKN1B):c.368C>A (p.Ala123Asp)

Gene: CDKN1B (cyclin dependent kinase inhibitor 1B; plus strand). Cytogenetic location: 12p13.1.
Variant type: single nucleotide variant.
Coding change: c.368C>A on transcript NM_004064.5 (MANE Select); coding-DNA position 368, C replaced by A.
Protein change: p.Ala123Asp; replaces alanine 123 with aspartic acid.
Molecular consequence: missense variant.
Genome position (GRCh38, 1-based): chr12:12,718,207, C>A. VCF-style: chr12-12718207-C-A. GRCh37 (hg19) VCF-style: chr12-12871141-C-A.
Other names: short protein forms A123D.
Identifiers: ClinVar variation 2450783 (VCV002450783.2), dbSNP rs1427690050, ClinGen allele CA383970451.

ClinVar aggregate classification (germline): Uncertain significance (1 of 4 stars; one submission).

Conditions:
Hereditary cancer-predisposing syndrome. Also called: Neoplastic Syndromes, Hereditary; Tumor predisposition; Hereditary neoplastic syndrome; Hereditary Cancer Syndrome. Identifiers: Orphanet 140162, MedGen C0027672, MeSH D009386, MONDO:0015356.

Submission:

Ambry Genetics
Classification: Uncertain significance for Hereditary cancer-predisposing syndrome. Last evaluated: 2022-12-17. Review status: criteria provided, single submitter. Criteria: Ambry Variant Classification Scheme 2023. Collection method: clinical testing. Allele origin: germline.
Comment: The p.A123D variant (also known as c.368C>A), located in coding exon 1 of the CDKN1B gene, results from a C to A substitution at nucleotide position 368. The alanine at codon 123 is replaced by aspartic acid, an amino acid with dissimilar properties. This amino acid position is conserved. In addition, this alteration is predicted to be tolerated by in silico analysis. Since supporting evidence is limited at this time, the clinical significance of this alteration remains unclear.